The following is an entry in ClinVar:

NM_000096.4(CP):c.2051C>T (p.Thr684Met)

Gene: CP (ceruloplasmin; minus strand). Cytogenetic location: 3q24.
Variant type: single nucleotide variant.
Coding change: c.2051C>T on transcript NM_000096.4 (MANE Select); coding-DNA position 2051, C replaced by T.
Protein change: p.Thr684Met; replaces threonine 684 with methionine.
Molecular consequence: missense variant.
Genome position (GRCh38, 1-based): chr3:149,186,546, G>A on the plus strand (C>T on the coding strand, the complement: CP is on the minus strand). VCF-style: chr3-149186546-G-A. GRCh37 (hg19) VCF-style: chr3-148904333-G-A.
Other names: c.2051C>T (NM_000096.3); short protein forms T684M.
Identifiers: ClinVar variation 2056463 (VCV002056463.2), dbSNP rs535750064, ClinGen allele CA2660851.
Genomic context (GRCh38, chr3:149,186,546, plus strand): 5'-CATCCAATAGAGACTTGGCTTTAAGTAAATATACCCTCTGTGTCAGGCCACATGTGGAGC[G>A]TAAGACTTGTTTGAGGGAAGAGGTTTGCTGTGTCTCTCCGTTCTCCTCTCCACAGATATG-3'
Protein context (NP_000087.2, residues 674-694): TANLFPQTSL[Thr684Met]LHMWPDTEGT

ClinVar aggregate classification (germline): Uncertain significance. Review status: criteria provided, multiple submitters, no conflicts (2 of 4 stars). 2 submissions from 2 submitters: Uncertain significance (2). Last evaluated 2024-06-16.

Conditions:
Deficiency of ferroxidase (ACEP). Also called: Ceruloplasmin deficiency; Familial apoceruloplasmin deficiency; Hereditary ceruloplasmin deficiency; Aceruloplasminemia; NEURODEGENERATION WITH BRAIN IRON ACCUMULATION 10; Deficiency of ceruloplasmin. Identifiers: Orphanet 48818, MedGen C0878682, MONDO:0011426, OMIM 604290, HP:0025498.
Inborn genetic diseases. Identifiers: MedGen C0950123, MeSH D030342.

Allele frequency attached by ClinVar (database versions not stated): TOPMed 0.00001; 1000 Genomes Project 30x 0.00016; 1000 Genomes Project 0.00020.
gnomAD v4.1: 24 of 1,614,168 alleles (0.0015%); highest among the groups gnomAD compares: East Asian, 0.0067%; no homozygotes.

Submissions (2):

Ambry Genetics
Classification: Uncertain significance for Inborn genetic diseases. Last evaluated: 2024-06-16. Review status: criteria provided, single submitter. Criteria: Ambry Variant Classification Scheme 2023. Collection method: clinical testing. Allele origin: germline.

Labcorp Genetics (formerly Invitae), Labcorp
Classification: Uncertain significance for Deficiency of ferroxidase. Last evaluated: 2022-06-28. Review status: criteria provided, single submitter. Criteria: Invitae Variant Classification Sherloc (09022015). Collection method: clinical testing. Allele origin: germline.
Comment: This sequence change replaces threonine, which is neutral and polar, with methionine, which is neutral and non-polar, at codon 684 of the CP protein (p.Thr684Met). This variant is present in population databases (rs535750064, gnomAD 0.01%). This variant has not been reported in the literature in individuals affected with CP-related conditions. Algorithms developed to predict the effect of missense changes on protein structure and function are either unavailable or do not agree on the potential impact of this missense change (SIFT: "Deleterious"; PolyPhen-2: "Probably Damaging"; Align-GVGD: "Class C15"). In summary, the available evidence is currently insufficient to determine the role of this variant in disease. Therefore, it has been classified as a Variant of Uncertain Significance.